The following is an entry in ClinVar:

ClinVar aggregate classification (germline): Likely benign (1 of 4 stars; one submission).

Submission:

CeGaT Center for Human Genetics Tuebingen
Classification: Likely benign. Last evaluated: 2025-11-01. Review status: criteria provided, single submitter. Criteria: CeGaT Center For Human Genetics Tuebingen Variant Classification Criteria Version 2. Collection method: clinical testing. Allele origin: germline. Affected: yes. Observed: 1 variant allele.
Comment: GBA2: PM2:Supporting, BP4, BP7

NM_020944.3(GBA2):c.2506-137T>C

Gene: GBA2 (glucosylceramidase beta 2; minus strand). Cytogenetic location: 9p13.3.
Variant type: single nucleotide variant.
Coding change: c.2506-137T>C on transcript NM_020944.3 (MANE Select); 137 bases into the intron before coding-DNA position 2506, T replaced by C.
Molecular consequence: intron variant. On other transcripts: synonymous variant (1).
Genome position (GRCh38, 1-based): chr9:35,737,584, A>G on the plus strand (T>C on the coding strand, the complement: GBA2 is on the minus strand). VCF-style: chr9-35737584-A-G. GRCh37 (hg19) VCF-style: chr9-35737581-A-G.
Other names: c.2526T>C, p.Cys842= (NM_001330660.2).
Identifiers: ClinVar variation 4535208 (VCV004535208.6).
Genomic context (GRCh38, chr9:35,737,584, plus strand): 5'-AGTAGAGTCTTTGCCTTCAAGGAGCTCCCAGCAAGTGGAGGAGATAACTATGACCCACAG[A>G]CAGAAGCCTGAAGGCAGGAGCTGGAATGCATACCAGGGAAAAATGGGAGGCTTTATAGAC-3'